The following is an entry in ClinVar:

ClinVar aggregate classification (germline): Likely benign. Review status: criteria provided, multiple submitters, no conflicts (2 of 4 stars). 4 submissions from 4 submitters: Likely benign (3). 1 of the submissions does not count toward it. Last evaluated 2020-09-11.

Conditions:
USP18-related disorder. Also called: USP18-related condition.

Allele frequency attached by ClinVar (database versions not stated): gnomAD exomes 0.00008 and 0.00022; ExAC 0.00020; 1000 Genomes Project 0.00080; ESP Exome Variant Server 0.00085; gnomAD 0.00086 and 0.00093; TOPMed 0.00087; 1000 Genomes Project 30x 0.00109.

Submissions (4):

Blueprint Genetics
Classification: Likely benign. Last evaluated: 2020-09-11. Review status: criteria provided, single submitter. Criteria: ACMG Guidelines, 2015. Collection method: clinical testing. Allele origin: germline.

Labcorp Genetics (formerly Invitae), Labcorp
Classification: Likely benign. Last evaluated: 2018-06-01. Review status: criteria provided, single submitter. Criteria: Invitae Variant Classification Sherloc (09022015). Collection method: clinical testing. Allele origin: germline.

Breakthrough Genomics
Classification: Likely benign. Review status: criteria provided, single submitter. Criteria: ACMG Guidelines, 2015. Collection method: not provided. Allele origin: germline. Inheritance: Autosomal recessive inheritance. Affected: yes.

PreventionGenetics, part of Exact Sciences
Classification: Likely benign for USP18-related condition. Last evaluated: 2022-08-15. Review status: no assertion criteria provided. Collection method: clinical testing. Allele origin: germline. Not counted in ClinVar's aggregate classification.
Comment: This variant is classified as likely benign based on ACMG/AMP sequence variant interpretation guidelines (Richards et al. 2015 PMID: 25741868, with internal and published modifications).

NM_017414.4(USP18):c.97G>A (p.Asp33Asn)

Gene: USP18 (ubiquitin specific peptidase 18; plus strand). Cytogenetic location: 22q11.21.
Variant type: single nucleotide variant.
Coding change: c.97G>A on transcript NM_017414.4 (MANE Select); coding-DNA position 97, G replaced by A.
Protein change: p.Asp33Asn; replaces aspartic acid 33 with asparagine.
Molecular consequence: missense variant.
Genome position (GRCh38, 1-based): chr22:18,157,760, G>A. VCF-style: chr22-18157760-G-A. GRCh37 (hg19) VCF-style: chr22-18640527-G-A.
Other names: short protein forms D33N.
Identifiers: ClinVar variation 759892 (VCV000759892.7), dbSNP rs115275255, ClinGen allele CA10093940.